The following is an entry in ClinVar:

NM_006269.2(RP1):c.911A>G (p.Lys304Arg)

Gene: RP1 (RP1 axonemal microtubule associated; plus strand). Cytogenetic location: 8q12.1.
Variant type: single nucleotide variant.
Coding change: c.911A>G on transcript NM_006269.2 (MANE Select); coding-DNA position 911, A replaced by G.
Protein change: p.Lys304Arg; replaces lysine 304 with arginine.
Molecular consequence: missense variant. On other transcripts: intron variant (1).
Genome position (GRCh38, 1-based): chr8:54,624,793, A>G. VCF-style: chr8-54624793-A-G. GRCh37 (hg19) VCF-style: chr8-55537353-A-G.
Other names: c.787+2505A>G (NM_001375654.1); short protein forms K304R.
Identifiers: ClinVar variation 4779464 (VCV004779464.1).

ClinVar aggregate classification (germline): Uncertain significance (1 of 4 stars; one submission).

gnomAD v4.1: 2 of 1,614,048 alleles (0.00012%); highest among the groups gnomAD compares: Non-Finnish European, 0.00017%; no homozygotes.

Submission:

Labcorp Genetics (formerly Invitae), Labcorp
Classification: Uncertain significance. Last evaluated: 2025-12-30. Review status: criteria provided, single submitter. Criteria: Invitae Variant Classification Sherloc (09022015). Collection method: clinical testing. Allele origin: germline.
Comment: This sequence change replaces lysine, which is basic and polar, with arginine, which is basic and polar, at codon 304 of the RP1 protein (p.Lys304Arg). This variant is not present in population databases (gnomAD no frequency). This variant has not been reported in the literature in individuals affected with RP1-related conditions. An algorithm developed to predict the effect of missense changes on protein structure and function (PolyPhen-2) suggests that this variant is likely to be disruptive. In summary, the available evidence is currently insufficient to determine the role of this variant in disease. Therefore, it has been classified as a Variant of Uncertain Significance.